The following is an entry in ClinVar:

NM_005004.4(NDUFB8):c.309A>G (p.Glu103=)

Gene: NDUFB8 (NADH:ubiquinone oxidoreductase subunit B8; minus strand). Cytogenetic location: 10q24.31.
Variant type: single nucleotide variant.
Coding change: c.309A>G on transcript NM_005004.4 (MANE Select); coding-DNA position 309, A replaced by G.
Protein change: p.Glu103=; no amino-acid change (glutamic acid 103 retained).
Molecular consequence: synonymous variant.
Genome position (GRCh38, 1-based): chr10:100,526,978, T>C on the plus strand (A>G on the coding strand, the complement: NDUFB8 is on the minus strand). VCF-style: chr10-100526978-T-C. GRCh37 (hg19) VCF-style: chr10-102286735-T-C.
Other names: c.309A>G (NM_005004.3); c.309A>G, p.Glu103= (NM_001284367.2); c.216A>G, p.Glu72= (NM_001284368.1).
Identifiers: ClinVar variation 2155908 (VCV002155908.7), dbSNP rs755572616, ClinGen allele CA5650187.

ClinVar aggregate classification (germline): Likely benign. Review status: criteria provided, single submitter (1 of 4 stars). 2 submissions from 2 submitters: Likely benign (1). 1 of the submissions does not count toward it. Last evaluated 2025-07-31.

Conditions:
NDUFB8-related disorder. Also called: NDUFB8-related condition.

Allele frequency attached by ClinVar (database versions not stated): gnomAD 0.00004; gnomAD exomes 0.00004; TOPMed 0.00005; ExAC 0.00013.
gnomAD v4.1: 66 of 1,613,650 alleles (0.0041%); highest among the groups gnomAD compares: Admixed American, 0.063%; no homozygotes.

Submissions (3):

Labcorp Genetics (formerly Invitae), Labcorp
Classification: Likely benign. Last evaluated: 2025-07-31. Review status: criteria provided, single submitter. Criteria: Invitae Variant Classification Sherloc (09022015). Collection method: clinical testing. Allele origin: germline.

PreventionGenetics, part of Exact Sciences
Classification: Likely benign for NDUFB8-related condition. Last evaluated: 2021-01-18. Review status: no assertion criteria provided. Collection method: clinical testing. Allele origin: germline. Not counted in ClinVar's aggregate classification.
Comment: This variant is classified as likely benign based on ACMG/AMP sequence variant interpretation guidelines (Richards et al. 2015 PMID: 25741868, with internal and published modifications).

Dr. Peter K. Rogan Lab, Western University
No classification provided (evidence only). Condition: Hepatocellular carcinoma. Review status: no classification provided. Collection method: in vitro. Allele origin: not applicable. Functional consequence: retained intron. Not counted in ClinVar's aggregate classification.